The following is an entry in ClinVar:

ClinVar aggregate classification (germline): Uncertain significance (1 of 4 stars; one submission).

gnomAD v4.1: 1 of 264,944 alleles (0.00038%); highest among the groups gnomAD compares: Non-Finnish European, 0.00073%; no homozygotes.

Submission:

Dasa
Classification: Uncertain significance. Last evaluated: 2026-03-02. Review status: criteria provided, single submitter. Criteria: DASA Assertion Criteria. Collection method: clinical testing. Allele origin: germline.
Comment: NM_153717.3(EVC):c.*404C>T is a sequence variant. This variant has been observed in affected individuals with EVC-related disorders. The currently available literature and clinical evidence are not sufficient to establish a definitive association between this variant and the reported condition. Therefore, this variant is classified as a variant of uncertain significance.

NM_153717.3(EVC):c.*404C>T

Gene: EVC (EvC ciliary complex subunit 1; plus strand). Cytogenetic location: 4p16.2.
Variant type: single nucleotide variant.
Coding change: c.*404C>T on transcript NM_153717.3 (MANE Select); 404 bases downstream of the stop codon, C replaced by T.
Molecular consequence: 3 prime UTR variant.
Genome position (GRCh38, 1-based): chr4:5,811,441, C>T. VCF-style: chr4-5811441-C-T. GRCh37 (hg19) VCF-style: chr4-5813168-C-T.
Other names: c.*404C>T (NM_001306090.2).
Identifiers: ClinVar variation 4880996 (VCV004880996.2).